The following is an entry in ClinVar:

ClinVar aggregate classification (germline): Likely pathogenic (1 of 4 stars; one submission).

Conditions:
Hereditary spastic paraplegia 39 (SPG39). Also called: SPASTIC PARAPLEGIA 39, AUTOSOMAL RECESSIVE; Spastic Paraplegia Type 39 (SPG39). Identifiers: Orphanet 139480, MedGen C2677586, MONDO:0012787, OMIM 612020.

Submission:

Labcorp Genetics (formerly Invitae), Labcorp
Classification: Likely pathogenic for Hereditary spastic paraplegia 39. Last evaluated: 2025-03-17. Review status: criteria provided, single submitter. Criteria: Invitae Variant Classification Sherloc (09022015). Collection method: clinical testing. Allele origin: germline.
Comment: This sequence change affects a donor splice site in intron 16 of the PNPLA6 gene. It is expected to disrupt RNA splicing. Variants that disrupt the donor or acceptor splice site typically lead to a loss of protein function (PMID: 16199547), and loss-of-function variants in PNPLA6 are known to be pathogenic (PMID: 24355708). This variant is not present in population databases (gnomAD no frequency). This variant has not been reported in the literature in individuals affected with PNPLA6-related conditions. ClinVar contains an entry for this variant (Variation ID: 840021). Algorithms developed to predict the effect of sequence changes on RNA splicing suggest that this variant may disrupt the consensus splice site. In summary, the currently available evidence indicates that the variant is pathogenic, but additional data are needed to prove that conclusively. Therefore, this variant has been classified as Likely Pathogenic.

Literature cited by the submitters: PubMed 16199547; PubMed 24355708.

NM_001166114.2(PNPLA6):c.1608+2T>C

Gene: PNPLA6 (patatin like domain 6, lysophospholipase; plus strand). Cytogenetic location: 19p13.2.
Variant type: single nucleotide variant.
Coding change: c.1608+2T>C on transcript NM_001166114.2 (MANE Select); the canonical splice donor site of the intron after coding-DNA position 1608, T replaced by C.
Molecular consequence: splice donor variant. On other transcripts: intron variant (1).
Genome position (GRCh38, 1-based): chr19:7,543,086, T>C. VCF-style: chr19-7543086-T-C. GRCh37 (hg19) VCF-style: chr19-7607972-T-C.
Other names: c.1491+2T>C (NM_006702.5, NM_001166113.1); c.1413+158T>C (NM_001166112.2); c.1635+2T>C (NM_001166111.2).
Identifiers: ClinVar variation 840021 (VCV000840021.10), dbSNP rs2023231095, ClinGen allele CA403115239.